The following is an entry in ClinVar:

ClinVar aggregate classification (germline): Uncertain significance (1 of 4 stars; one submission).

Conditions:
Cardiovascular phenotype. Identifiers: MedGen CN230736.

Submission:

Ambry Genetics
Classification: Uncertain significance for Cardiovascular phenotype. Last evaluated: 2024-10-22. Review status: criteria provided, single submitter. Criteria: Ambry Variant Classification Scheme 2023. Collection method: clinical testing. Allele origin: germline.
Comment: The p.T426S variant (also known as c.1276A>T), located in coding exon 2 of the TNXB gene, results from an A to T substitution at nucleotide position 1276. The threonine at codon 426 is replaced by serine, an amino acid with similar properties. This amino acid position is conserved. In addition, this alteration is predicted to be tolerated by in silico analysis. Based on the available evidence, the clinical significance of this variant remains unclear.

NM_001365276.2(TNXB):c.1276A>T (p.Thr426Ser)

Gene: TNXB (tenascin XB; minus strand). Cytogenetic location: 6p21.33.
Variant type: single nucleotide variant.
Coding change: c.1276A>T on transcript NM_001365276.2 (MANE Select); coding-DNA position 1276, A replaced by T.
Protein change: p.Thr426Ser; replaces threonine 426 with serine.
Molecular consequence: missense variant.
Genome position (GRCh38, 1-based): chr6:32,096,577, T>A on the plus strand (A>T on the coding strand, the complement: TNXB is on the minus strand). VCF-style: chr6-32096577-T-A. GRCh37 (hg19) VCF-style: chr6-32064354-T-A.
Other names: c.1276A>T, p.Thr426Ser (NM_001428335.1, NM_019105.8); short protein forms T426S.
Identifiers: ClinVar variation 3459838 (VCV003459838.1).